The following is an entry in ClinVar:

ClinVar aggregate classification (germline): Uncertain significance (1 of 4 stars; one submission).

Conditions:
Progressive sclerosing poliodystrophy (MTDPS4A). Also called: ALPERS PROGRESSIVE INFANTILE POLIODYSTROPHY; ALPERS DIFFUSE DEGENERATION OF CEREBRAL GRAY MATTER WITH HEPATIC CIRRHOSIS; Alpers-Huttenlocher Syndrome; Mitochondrial DNA depletion syndrome 4A (Alpers type); Alpers-Huttenlocher Syndrome (AHS); NEURONAL DEGENERATION OF CHILDHOOD WITH LIVER DISEASE, PROGRESSIVE. Identifiers: Orphanet 726, MedGen C0205710, MONDO:0008758, OMIM 203700.

Allele frequency attached by ClinVar (database versions not stated): gnomAD exomes below 0.00001 and 0.00001.
gnomAD v4.1: 13 of 1,613,910 alleles (0.00081%); highest among the groups gnomAD compares: Non-Finnish European, 0.001%; no homozygotes.

Submission:

Labcorp Genetics (formerly Invitae), Labcorp
Classification: Uncertain significance for Progressive sclerosing poliodystrophy. Last evaluated: 2024-09-29. Review status: criteria provided, single submitter. Criteria: Invitae Variant Classification Sherloc (09022015). Collection method: clinical testing. Allele origin: germline.
Comment: This sequence change replaces glutamine, which is neutral and polar, with arginine, which is basic and polar, at codon 330 of the POLG protein (p.Gln330Arg). This variant is present in population databases (no rsID available, gnomAD 0.0009%). This variant has not been reported in the literature in individuals affected with POLG-related conditions. ClinVar contains an entry for this variant (Variation ID: 657612). Invitae Evidence Modeling of protein sequence and biophysical properties (such as structural, functional, and spatial information, amino acid conservation, physicochemical variation, residue mobility, and thermodynamic stability) indicates that this missense variant is not expected to disrupt POLG protein function with a negative predictive value of 95%. In summary, the available evidence is currently insufficient to determine the role of this variant in disease. Therefore, it has been classified as a Variant of Uncertain Significance.

NM_002693.3(POLG):c.989A>G (p.Gln330Arg)

Gene: POLG (DNA polymerase gamma, catalytic subunit; minus strand). Cytogenetic location: 15q26.1.
Variant type: single nucleotide variant.
Coding change: c.989A>G on transcript NM_002693.3 (MANE Select); coding-DNA position 989, A replaced by G.
Protein change: p.Gln330Arg; replaces glutamine 330 with arginine.
Molecular consequence: missense variant.
Genome position (GRCh38, 1-based): chr15:89,328,977, T>C on the plus strand (A>G on the coding strand, the complement: POLG is on the minus strand). VCF-style: chr15-89328977-T-C. GRCh37 (hg19) VCF-style: chr15-89872208-T-C.
Other names: c.989A>G, p.Gln330Arg (NM_001126131.2); short protein forms Q330R.
Identifiers: ClinVar variation 657612 (VCV000657612.7), dbSNP rs1423452317, ClinGen allele CA393765481.